The following is an entry in ClinVar:

ClinVar aggregate classification (germline): Pathogenic (1 of 4 stars; one submission).

Conditions:
Charcot-Marie-Tooth disease type 4. Also called: Charcot-Marie-Tooth disease, type IV; Charcot-Marie-Tooth, Type 4. Identifiers: Orphanet 64749, MedGen C4082197, MONDO:0018995.

Submission:

Labcorp Genetics (formerly Invitae), Labcorp
Classification: Pathogenic for Charcot-Marie-Tooth disease type 4. Last evaluated: 2018-10-08. Review status: criteria provided, single submitter. Criteria: Invitae Variant Classification Sherloc (09022015). Collection method: clinical testing. Allele origin: germline.
Comment: For these reasons, this variant has been classified as Pathogenic. Loss-of-function variants in FIG4 are known to be pathogenic (PMID: 23623387). This variant has not been reported in the literature in individuals with FIG4-related disease. This variant is an out-of-frame deletion of the genomic region encompassing exons 8-10 of the FIG4 gene. This is expected to create a premature translational stop signal and result in an absent or disrupted protein product.

Literature cited by the submitters: PubMed 23623387.

NC_000006.12:g.(?_109741424)_(109743792_?)del

Gene: FIG4 (FIG4 phosphoinositide 5-phosphatase; plus strand). Cytogenetic location: 6q21.
Variant type: Deletion.
Identifiers: ClinVar variation 583457 (VCV000583457.6).